The following is an entry in ClinVar:

NM_172240.3(POC1B):c.50A>G (p.His17Arg)

Genes: POC1B-DUSP6 (POC1B-DUSP6 readthrough; minus strand), POC1B (POC1 centriolar protein B; minus strand), POC1B-GALNT4 (POC1B-GALNT4 readthrough; minus strand), LOC130008356 (ATAC-STARR-seq lymphoblastoid silent region 4693; plus strand). Cytogenetic location: 12q21.33.
Variant type: single nucleotide variant.
Coding change: c.50A>G on transcript NM_172240.3 (MANE Select); coding-DNA position 50, A replaced by G.
Protein change: p.His17Arg; replaces histidine 17 with arginine.
Molecular consequence: missense variant. On other transcripts: 5 prime UTR variant (1), non-coding transcript variant (2).
Genome position (GRCh38, 1-based): chr12:89,525,170, T>C on the plus strand (A>G on the coding strand, the complement: POC1B is on the minus strand). VCF-style: chr12-89525170-T-C. GRCh37 (hg19) VCF-style: chr12-89918947-T-C.
Other names: c.50A>G, p.His17Arg (NM_001199781.2); c.310A>G, p.Thr104Ala (NM_001199782.1); c.-77A>G (NM_001199777.2); short protein forms T104A, H17R.
Identifiers: ClinVar variation 1499056 (VCV001499056.6), dbSNP rs1871338011, ClinGen allele CA386008183.
Genomic context (GRCh38, chr12:89,525,170, plus strand): 5'-TAAGACTTACCAAGTTGCTTGCCGTTGGGGCTGAGGTCCAAGGAGGTGATCGCAGCTTTG[T>C]GGCCTTTGAAATAACGCTCCAGAACGGGGTCCTCCTGGAAAGGAAAGTTGTCAAGTTTTG-3'
Protein context (NP_758440.1, residues 7-27): DPVLERYFKG[His17Arg]KAAITSLDLS

ClinVar aggregate classification (germline): Uncertain significance (1 of 4 stars; one submission).

Allele frequency attached by ClinVar (database versions not stated): TOPMed below 0.00001.

Submission:

Labcorp Genetics (formerly Invitae), Labcorp
Classification: Uncertain significance. Last evaluated: 2022-06-05. Review status: criteria provided, single submitter. Criteria: Invitae Variant Classification Sherloc (09022015). Collection method: clinical testing. Allele origin: germline.
Comment: Advanced modeling of protein sequence and biophysical properties (such as structural, functional, and spatial information, amino acid conservation, physicochemical variation, residue mobility, and thermodynamic stability) performed at Invitae indicates that this missense variant is not expected to disrupt POC1B protein function. In summary, the available evidence is currently insufficient to determine the role of this variant in disease. Therefore, it has been classified as a Variant of Uncertain Significance. ClinVar contains an entry for this variant (Variation ID: 1499056). This variant has not been reported in the literature in individuals affected with POC1B-related conditions. This variant is not present in population databases (gnomAD no frequency). This sequence change replaces histidine, which is basic and polar, with arginine, which is basic and polar, at codon 17 of the POC1B protein (p.His17Arg).